The following is an entry in ClinVar:

NM_002972.4(SBF1):c.3984C>T (p.Asp1328=)

Gene: SBF1 (SET binding factor 1; minus strand). Cytogenetic location: 22q13.33.
Variant type: single nucleotide variant.
Coding change: c.3984C>T on transcript NM_002972.4 (MANE Select); coding-DNA position 3984, C replaced by T.
Protein change: p.Asp1328=; no amino-acid change (aspartic acid 1328 retained).
Molecular consequence: synonymous variant.
Genome position (GRCh38, 1-based): chr22:50,456,594, G>A on the plus strand (C>T on the coding strand, the complement: SBF1 is on the minus strand). VCF-style: chr22-50456594-G-A. GRCh37 (hg19) VCF-style: chr22-50895023-G-A.
Other names: c.3984C>T (NM_002972.3); c.3909C>T, p.Asp1303= (NM_001365819.1).
Identifiers: ClinVar variation 1537619 (VCV001537619.10), dbSNP rs375822676, ClinGen allele CA10316452.

ClinVar aggregate classification (germline): Likely benign. Review status: criteria provided, single submitter (1 of 4 stars). 2 submissions from 2 submitters: Likely benign (1). 1 of the submissions does not count toward it. Last evaluated 2026-01-19.

Conditions:
SBF1-related disorder. Also called: SBF1-related condition.

Allele frequency attached by ClinVar (database versions not stated): TOPMed 0.00003; gnomAD exomes 0.00005.
gnomAD v4.1: 55 of 1,538,856 alleles (0.0036%); highest among the groups gnomAD compares: Middle Eastern, 0.052%; no homozygotes.

Submissions (2):

Labcorp Genetics (formerly Invitae), Labcorp
Classification: Likely benign. Last evaluated: 2026-01-19. Review status: criteria provided, single submitter. Criteria: Invitae Variant Classification Sherloc (09022015). Collection method: clinical testing. Allele origin: germline.

PreventionGenetics, part of Exact Sciences
Classification: Likely benign for SBF1-related condition. Last evaluated: 2020-01-27. Review status: no assertion criteria provided. Collection method: clinical testing. Allele origin: germline. Not counted in ClinVar's aggregate classification.
Comment: This variant is classified as likely benign based on ACMG/AMP sequence variant interpretation guidelines (Richards et al. 2015 PMID: 25741868, with internal and published modifications).